The following is an entry in ClinVar:

ClinVar aggregate classification (germline): Uncertain significance (1 of 4 stars; one submission).

Submission:

Labcorp Genetics (formerly Invitae), Labcorp
Classification: Uncertain significance. Last evaluated: 2022-07-25. Review status: criteria provided, single submitter. Criteria: Invitae Variant Classification Sherloc (09022015). Collection method: clinical testing. Allele origin: germline.
Comment: ClinVar contains an entry for this variant (Variation ID: 1369474). Algorithms developed to predict the effect of missense changes on protein structure and function are either unavailable or do not agree on the potential impact of this missense change (SIFT: "Deleterious"; PolyPhen-2: "Benign"; Align-GVGD: "Class C0"). In summary, the available evidence is currently insufficient to determine the role of this variant in disease. Therefore, it has been classified as a Variant of Uncertain Significance. This variant has not been reported in the literature in individuals affected with IRF4-related conditions. This sequence change replaces phenylalanine, which is neutral and non-polar, with leucine, which is neutral and non-polar, at codon 292 of the IRF4 protein (p.Phe292Leu). This variant is not present in population databases (gnomAD no frequency).

NM_002460.4(IRF4):c.874T>C (p.Phe292Leu)

Gene: IRF4 (interferon regulatory factor 4; plus strand). Cytogenetic location: 6p25.3.
Variant type: single nucleotide variant.
Coding change: c.874T>C on transcript NM_002460.4 (MANE Select); coding-DNA position 874, T replaced by C.
Protein change: p.Phe292Leu; replaces phenylalanine 292 with leucine.
Molecular consequence: missense variant. On other transcripts: non-coding transcript variant (1).
Genome position (GRCh38, 1-based): chr6:401,552, T>C. VCF-style: chr6-401552-T-C. GRCh37 (hg19) VCF-style: chr6-401552-T-C.
Other names: c.871T>C, p.Phe291Leu (NM_001195286.2); short protein forms F291L, F292L.
Identifiers: ClinVar variation 1369474 (VCV001369474.8), dbSNP rs2127439953, ClinGen allele CA362548911.